The following is an entry in ClinVar:

NM_000726.5(CACNB4):c.*1093T>C

Gene: CACNB4 (calcium voltage-gated channel auxiliary subunit beta 4; minus strand). Cytogenetic location: 2q23.3.
Variant type: single nucleotide variant.
Coding change: c.*1093T>C on transcript NM_000726.5 (MANE Select); 1093 bases downstream of the stop codon, T replaced by C.
Molecular consequence: 3 prime UTR variant.
Genome position (GRCh38, 1-based): chr2:151,838,026, A>G on the plus strand (T>C on the coding strand, the complement: CACNB4 is on the minus strand). VCF-style: chr2-151838026-A-G. GRCh37 (hg19) VCF-style: chr2-152694540-A-G.
Other names: c.*1093T>C (NM_001005746.4, NM_001005747.4, NM_001145798.3 and 7 more transcripts).
Identifiers: ClinVar variation 331612 (VCV000331612.6), dbSNP rs142139235, ClinGen allele CA10612586.

ClinVar aggregate classification (germline): Benign (1 of 4 stars; one submission).

Conditions:
Episodic ataxia type 5. Identifiers: Orphanet 211067, MedGen C1866039, MONDO:0013464, OMIM 613855.

Allele frequency attached by ClinVar (database versions not stated): TOPMed 0.00065; gnomAD 0.00122 and 0.00129; 1000 Genomes Project 0.00220; 1000 Genomes Project 30x 0.00250.

Submission:

Illumina Laboratory Services, Illumina
Classification: Benign for Episodic ataxia type 5. Last evaluated: 2018-01-12. Review status: criteria provided, single submitter. Criteria: ICSL Variant Classification Criteria 13 December 2019. Collection method: clinical testing. Allele origin: germline.
Comment: This variant was observed in the ICSL laboratory as part of a predisposition screen in an ostensibly healthy population. It had not been previously curated by ICSL or reported in the Human Gene Mutation Database (HGMD: prior to June 1st, 2018), and was therefore a candidate for classification through an automated scoring system. Utilizing variant allele frequency, disease prevalence and penetrance estimates, and inheritance mode, an automated score was calculated to assess if this variant is too frequent to cause the disease. Based on the score and internal cut-off values, a variant classified as benign is not then subjected to further curation. The score for this variant resulted in a classification of benign for this disease.